The following is an entry in ClinVar:

NM_001130682.3(GUCY1A1):c.1119del (p.Ile373fs)

Gene: GUCY1A1 (guanylate cyclase 1 soluble subunit alpha 1; plus strand). Cytogenetic location: 4q32.1.
Variant type: Deletion.
Coding change: c.1119del on transcript NM_001130682.3 (MANE Select); coding-DNA position 1119, one base deleted (T; older notation c.1119delT).
Protein change: p.Ile373fs; shifts the reading frame from isoleucine 373.
Molecular consequence: frameshift variant.
Genome position (GRCh38, 1-based): chr4:155,713,130, T deleted; the last of 2 consecutive T bases (chr4:155,713,129-155,713,130); deleting either gives the same sequence. VCF-style (leftmost placement, unchanged base first): chr4-155713128-AT-A. GRCh37 (hg19) VCF-style: chr4-156634280-AT-A.
Other names: c.1119del, p.Ile373fs (NM_001130687.3, NM_001256449.2, NM_001379666.1 and 12 more transcripts); c.414del, p.Ile138fs (NM_001130685.3, NM_001440518.1); c.612del, p.Ile204fs (NM_001379676.1); short protein forms I373fs, I138fs, I204fs.
Identifiers: ClinVar variation 4772288 (VCV004772288.1).
Genomic context (GRCh38, chr4:155,713,128, plus strand): 5'-AACCACAATTGGTTATCCTTTCCTTCATAGGTTATGGACCTCAAAGGCCAAATGATCTAC[AT>A]TGTTGAATCCAGTGCAATCTTGTTTTTGGGGTCACCCTGTGTGGACAGATTAGAAGATTT-3'

ClinVar aggregate classification (germline): Pathogenic (1 of 4 stars; one submission).

Submission:

Labcorp Genetics (formerly Invitae), Labcorp
Classification: Pathogenic. Last evaluated: 2025-02-18. Review status: criteria provided, single submitter. Criteria: Invitae Variant Classification Sherloc (09022015). Collection method: clinical testing. Allele origin: germline.
Comment: This sequence change creates a premature translational stop signal (p.Ile373Metfs*18) in the GUCY1A1 gene. It is expected to result in an absent or disrupted protein product. Loss-of-function variants in GUCY1A1 are known to be pathogenic (PMID: 24581742). This variant is present in population databases (rs748781354, gnomAD 0.002%). This variant has not been reported in the literature in individuals affected with GUCY1A1-related conditions. For these reasons, this variant has been classified as Pathogenic.

Literature cited by the submitters: PubMed 24581742.